The following is an entry in ClinVar:

NM_000051.4(ATM):c.4357del (p.Asp1452_Ile1453insTer)

Gene: ATM (ATM serine/threonine kinase; plus strand). Cytogenetic location: 11q22.3.
Variant type: Deletion.
Coding change: c.4357del on transcript NM_000051.4 (MANE Select); coding-DNA position 4357, one base deleted (A; older notation c.4357delA).
Protein change: p.Asp1452_Ile1453insTer.
Molecular consequence: nonsense.
Genome position (GRCh38, 1-based): chr11:108,289,722, A deleted. VCF-style (leftmost placement, unchanged base first): chr11-108289721-TA-T. GRCh37 (hg19) VCF-style: chr11-108160448-TA-T.
Other names: c.4357del, p.Asp1452_Ile1453insTer (NM_001351834.2).
Identifiers: ClinVar variation 3221176 (VCV003221176.1), dbSNP rs2546909941, ClinGen allele CA2825001847.

ClinVar aggregate classification (germline): Pathogenic (1 of 4 stars; one submission).

Conditions:
Hereditary cancer-predisposing syndrome. Also called: Tumor predisposition; Hereditary neoplastic syndrome; Hereditary Cancer Syndrome; Neoplastic Syndromes, Hereditary. Identifiers: Orphanet 140162, MedGen C0027672, MeSH D009386, MONDO:0015356.

Submission:

Ambry Genetics
Classification: Pathogenic for Hereditary cancer-predisposing syndrome. Last evaluated: 2024-03-08. Review status: criteria provided, single submitter. Criteria: Ambry Variant Classification Scheme 2023. Collection method: clinical testing. Allele origin: germline.
Comment: The c.4357delA pathogenic mutation, located in coding exon 28 of the ATM gene, results from a deletion of one nucleotide at nucleotide position 4357, causing a translational frameshift with a predicted alternate stop codon (p.I1453*). This variant is considered to be rare based on population cohorts in the Genome Aggregation Database (gnomAD). This alteration is expected to result in loss of function by premature protein truncation or nonsense-mediated mRNA decay. As such, this alteration is interpreted as a disease-causing mutation.